The following is an entry in ClinVar:

NM_000135.4(FANCA):c.119C>T (p.Ala40Val)

Gene: FANCA (FA complementation group A; minus strand). Cytogenetic location: 16q24.3.
Variant type: single nucleotide variant.
Coding change: c.119C>T on transcript NM_000135.4 (MANE Select); coding-DNA position 119, C replaced by T.
Protein change: p.Ala40Val; replaces alanine 40 with valine.
Molecular consequence: missense variant.
Genome position (GRCh38, 1-based): chr16:89,815,947, G>A on the plus strand (C>T on the coding strand, the complement: FANCA is on the minus strand). VCF-style: chr16-89815947-G-A. GRCh37 (hg19) VCF-style: chr16-89882355-G-A.
Other names: c.119C>T, p.Ala40Val (NM_001018112.3, NM_001286167.3, NM_001351830.2); c.119C>T (NM_000135.2); short protein forms A40V.
Identifiers: ClinVar variation 1019206 (VCV001019206.5), dbSNP rs563060518, ClinGen allele CA397483528.

ClinVar aggregate classification (germline): Uncertain significance. Review status: criteria provided, multiple submitters, no conflicts (2 of 4 stars). 3 submissions from 3 submitters: Uncertain significance (3). Last evaluated 2025-11-24.

Conditions:
Inborn genetic diseases. Identifiers: MedGen C0950123, MeSH D030342.
Fanconi anemia (FA). Also called: Fanconi's anemia. Identifiers: Orphanet 84, MedGen C0015625, MeSH D005199, MONDO:0019391.
Fanconi anemia complementation group A (FANCA). Also called: Fanconi anemia, group A; FANCA-Related Fanconi Anemia. Identifiers: Orphanet 84, MedGen C3469521, MONDO:0009215, OMIM 227650.

Allele frequency attached by ClinVar (database versions not stated): gnomAD exomes below 0.00001.
gnomAD v4.1: 3 of 1,614,100 alleles (0.00019%); highest among the groups gnomAD compares: Non-Finnish European, 0.00017%; no homozygotes.

Submissions (3):

Labcorp Genetics (formerly Invitae), Labcorp
Classification: Uncertain significance for Fanconi anemia. Last evaluated: 2025-11-24. Review status: criteria provided, single submitter. Criteria: Invitae Variant Classification Sherloc (09022015). Collection method: clinical testing. Allele origin: germline.
Comment: This sequence change replaces alanine, which is neutral and non-polar, with valine, which is neutral and non-polar, at codon 40 of the FANCA protein (p.Ala40Val). This variant is not present in population databases (gnomAD no frequency). This variant has not been reported in the literature in individuals affected with FANCA-related conditions. ClinVar contains an entry for this variant (Variation ID: 1019206). Invitae Evidence Modeling of protein sequence and biophysical properties (such as structural, functional, and spatial information, amino acid conservation, physicochemical variation, residue mobility, and thermodynamic stability) indicates that this missense variant is not expected to disrupt FANCA protein function with a negative predictive value of 95%. In summary, the available evidence is currently insufficient to determine the role of this variant in disease. Therefore, it has been classified as a Variant of Uncertain Significance.

Ambry Genetics
Classification: Uncertain significance for Inborn genetic diseases. Last evaluated: 2025-01-22. Review status: criteria provided, single submitter. Criteria: Ambry Variant Classification Scheme 2023. Collection method: clinical testing. Allele origin: germline.
Comment: The p.A40V variant (also known as c.119C>T), located in coding exon 2 of the FANCA gene, results from a C to T substitution at nucleotide position 119. The alanine at codon 40 is replaced by valine, an amino acid with similar properties. This amino acid position is conserved. In addition, this alteration is predicted to be tolerated by in silico analysis. Based on the available evidence, the clinical significance of this variant remains unclear.

Fulgent Genetics
Classification: Uncertain significance for Fanconi anemia complementation group A. Last evaluated: 2021-09-14. Review status: criteria provided, single submitter. Criteria: ACMG Guidelines, 2015. Collection method: clinical testing. Allele origin: unknown.